The following is an entry in ClinVar:

NM_024513.4(FYCO1):c.630+15G>T

Gene: FYCO1 (FYVE and coiled-coil domain autophagy adaptor 1; minus strand). Cytogenetic location: 3p21.31.
Variant type: single nucleotide variant.
Coding change: c.630+15G>T on transcript NM_024513.4 (MANE Select); 15 bases into the intron after coding-DNA position 630, G replaced by T.
Molecular consequence: intron variant.
Genome position (GRCh38, 1-based): chr3:45,969,660, C>A on the plus strand (G>T on the coding strand, the complement: FYCO1 is on the minus strand). VCF-style: chr3-45969660-C-A. GRCh37 (hg19) VCF-style: chr3-46011152-C-A.
Identifiers: ClinVar variation 901447 (VCV000901447.8), dbSNP rs76456912, ClinGen allele CA2353413.

ClinVar aggregate classification (germline): Benign. Review status: criteria provided, multiple submitters, no conflicts (2 of 4 stars). 2 submissions from 2 submitters: Benign (2). Last evaluated 2025-08-31.

Conditions:
Cataract 18 (CATC2). Also called: CATARACT 18, AUTOSOMAL RECESSIVE. Identifiers: Orphanet 91492, Orphanet 98991, Orphanet 98992, Orphanet 98995, MedGen C1864908, MONDO:0012395, OMIM 610019.

Allele frequency attached by ClinVar (database versions not stated): gnomAD 0.00389 and 0.00357; ESP Exome Variant Server 0.00284; 1000 Genomes Project 30x 0.00328; 1000 Genomes Project 0.00319; TOPMed 0.00402.

Submissions (2):

Labcorp Genetics (formerly Invitae), Labcorp
Classification: Benign for Cataract 18. Last evaluated: 2025-08-31. Review status: criteria provided, single submitter. Criteria: Invitae Variant Classification Sherloc (09022015). Collection method: clinical testing. Allele origin: germline.

Illumina Laboratory Services, Illumina
Classification: Benign for Cataract 18. Last evaluated: 2018-01-13. Review status: criteria provided, single submitter. Criteria: ICSL Variant Classification Criteria 13 December 2019. Collection method: clinical testing. Allele origin: germline.
Comment: This variant was observed in the ICSL laboratory as part of a predisposition screen in an ostensibly healthy population. It had not been previously curated by ICSL or reported in the Human Gene Mutation Database (HGMD: prior to June 1st, 2018), and was therefore a candidate for classification through an automated scoring system. Utilizing variant allele frequency, disease prevalence and penetrance estimates, and inheritance mode, an automated score was calculated to assess if this variant is too frequent to cause the disease. Based on the score and internal cut-off values, a variant classified as benign is not then subjected to further curation. The score for this variant resulted in a classification of benign for this disease.